The following is an entry in ClinVar:

NM_001372073.1(PDGFRL):c.980T>A (p.Ile327Asn)

Gene: PDGFRL (platelet derived growth factor receptor like; plus strand). Cytogenetic location: 8p22.
Variant type: single nucleotide variant.
Coding change: c.980T>A on transcript NM_001372073.1 (MANE Select); coding-DNA position 980, T replaced by A.
Protein change: p.Ile327Asn; replaces isoleucine 327 with asparagine.
Molecular consequence: missense variant.
Genome position (GRCh38, 1-based): chr8:17,642,653, T>A. VCF-style: chr8-17642653-T-A. GRCh37 (hg19) VCF-style: chr8-17500162-T-A.
Other names: c.980T>A, p.Ile327Asn (NM_006207.2); short protein forms I327N.
Identifiers: ClinVar variation 2658444 (VCV002658444.24), dbSNP rs35346456, ClinGen allele CA4645826.

ClinVar aggregate classification (germline): Likely benign (1 of 4 stars; one submission).

Allele frequency attached by ClinVar (database versions not stated): 1000 Genomes Project 30x 0.00187; 1000 Genomes Project 0.00220; ESP Exome Variant Server 0.00607.
gnomAD v4.1: 12,070 of 1,611,054 alleles (0.75%); highest among the groups gnomAD compares: Middle Eastern, 2%; 62 homozygotes.

Submission:

CeGaT Center for Human Genetics Tuebingen
Classification: Likely benign. Last evaluated: 2023-02-01. Review status: criteria provided, single submitter. Criteria: CeGaT Center For Human Genetics Tuebingen Variant Classification Criteria Version 2. Collection method: clinical testing. Allele origin: germline. Affected: yes. Observed: 2 variant alleles.
Comment: PDGFRL: BP4, BS2